The following is an entry in ClinVar:

NM_002887.4(RARS1):c.180+2T>C

Gene: RARS1 (arginyl-tRNA synthetase 1; plus strand). Cytogenetic location: 5q34.
Variant type: single nucleotide variant.
Coding change: c.180+2T>C on transcript NM_002887.4 (MANE Select); the canonical splice donor site of the intron after coding-DNA position 180, T replaced by C.
Molecular consequence: splice donor variant.
Genome position (GRCh38, 1-based): chr5:168,488,738, T>C. VCF-style: chr5-168488738-T-C. GRCh37 (hg19) VCF-style: chr5-167915743-T-C.
Identifiers: ClinVar variation 1991882 (VCV001991882.5), dbSNP rs778874286, ClinGen allele CA3549534.

ClinVar aggregate classification (germline): Conflicting classifications of pathogenicity. Review status: criteria provided, conflicting classifications (1 of 4 stars). 2 submissions from 2 submitters: Likely pathogenic (1); Uncertain significance (1). Last evaluated 2024-11-20.

Allele frequency attached by ClinVar (database versions not stated): gnomAD exomes 0.00001; ExAC 0.00002; gnomAD 0.00002; TOPMed 0.00003.
gnomAD v4.1: 17 of 1,597,078 alleles (0.0011%); highest among the groups gnomAD compares: Admixed American, 0.018%; no homozygotes.

Submissions (2):

Blueprint Genetics
Classification: Uncertain significance. Last evaluated: 2024-11-20. Review status: criteria provided, single submitter. Criteria: ACMG Guidelines, 2015. Collection method: clinical testing. Allele origin: germline.

Labcorp Genetics (formerly Invitae), Labcorp
Classification: Likely pathogenic. Last evaluated: 2024-10-24. Review status: criteria provided, single submitter. Criteria: Invitae Variant Classification Sherloc (09022015). Collection method: clinical testing. Allele origin: germline.
Comment: This sequence change affects a donor splice site in intron 2 of the RARS gene. It is expected to disrupt RNA splicing. Variants that disrupt the donor or acceptor splice site typically lead to a loss of protein function (PMID: 16199547), and loss-of-function variants in RARS are known to be pathogenic (PMID: 24777941). This variant is present in population databases (rs778874286, gnomAD 0.03%). This variant has not been reported in the literature in individuals affected with RARS-related conditions. ClinVar contains an entry for this variant (Variation ID: 1991882). In summary, the currently available evidence indicates that the variant is pathogenic, but additional data are needed to prove that conclusively. Therefore, this variant has been classified as Likely Pathogenic.

Literature cited by the submitters: PubMed 16199547 (cited by Labcorp Genetics (formerly Invitae), Labcorp); PubMed 24777941 (cited by Labcorp Genetics (formerly Invitae), Labcorp).